The following is an entry in ClinVar:

NM_004211.5(SLC6A5):c.1621C>T (p.Gln541Ter)

Gene: SLC6A5 (solute carrier family 6 member 5; plus strand). Cytogenetic location: 11p15.1.
Variant type: single nucleotide variant.
Coding change: c.1621C>T on transcript NM_004211.5 (MANE Select); coding-DNA position 1621, C replaced by T.
Protein change: p.Gln541Ter; replaces glutamine 541 with a stop codon.
Molecular consequence: nonsense.
Genome position (GRCh38, 1-based): chr11:20,630,812, C>T. VCF-style: chr11-20630812-C-T. GRCh37 (hg19) VCF-style: chr11-20652358-C-T.
Other names: c.919C>T, p.Gln307Ter (NM_001318369.2); short protein forms Q307*, Q541*.
Identifiers: ClinVar variation 1437471 (VCV001437471.6), dbSNP rs931802079, ClinGen allele CA218741080.
Genomic context (GRCh38, chr11:20,630,812, plus strand): 5'-TTCTCCGTTATCGGCTTCATGGCCAATGAACGCAAAGTCAACATTGAGAATGTGGCAGAC[C>T]AAGGTACAGGACAGTTGTTACCCTGCTGTTGCAGGGCAGGTCCCAGGCTCATGTCACAAG-3'

ClinVar aggregate classification (germline): Pathogenic (1 of 4 stars; one submission).

Conditions:
Hyperekplexia 3 (HKPX3). Also called: HYPEREKPLEXIA 3, AUTOSOMAL RECESSIVE; HYPEREKPLEXIA 3, AUTOSOMAL DOMINANT. Identifiers: Orphanet 3197, MedGen C3553288, MONDO:0013827, OMIM 614618.

Allele frequency attached by ClinVar (database versions not stated): gnomAD 0.00001; TOPMed 0.00002.

Submission:

Labcorp Genetics (formerly Invitae), Labcorp
Classification: Pathogenic for Hyperekplexia 3. Last evaluated: 2025-08-17. Review status: criteria provided, single submitter. Criteria: Invitae Variant Classification Sherloc (09022015). Collection method: clinical testing. Allele origin: germline.
Comment: This sequence change creates a premature translational stop signal (p.Gln541*) in the SLC6A5 gene. It is expected to result in an absent or disrupted protein product. Loss-of-function variants in SLC6A5 are known to be pathogenic (PMID: 14622583, 16751771, 22700964). This variant is present in population databases (no rsID available, gnomAD 0.007%). This variant has not been reported in the literature in individuals affected with SLC6A5-related conditions. ClinVar contains an entry for this variant (Variation ID: 1437471). For these reasons, this variant has been classified as Pathogenic.

Literature cited by the submitters: PubMed 14622583; PubMed 16751771; PubMed 22700964.